The following is an entry in ClinVar:

ClinVar aggregate classification (germline): Uncertain significance (1 of 4 stars; one submission).

Allele frequency attached by ClinVar (database versions not stated): TOPMed 0.00002; gnomAD 0.00004; ESP Exome Variant Server 0.00008; ExAC 0.00016.
gnomAD v4.1: 93 of 1,581,498 alleles (0.0059%); highest among the groups gnomAD compares: Non-Finnish European, 0.0056%; no homozygotes.

Submission:

Ambry Genetics
Classification: Uncertain significance. Last evaluated: 2020-11-12. Review status: criteria provided, single submitter. Criteria: Ambry Variant Classification Scheme 2023. Collection method: clinical testing. Allele origin: germline.
Comment: The c.3707-4C>A intronic alteration results from a C to A substitution 4 nucleotides before coding exon 34 of the IARS gene. Based on data from the Genome Aggregation Database (gnomAD) database, the IARS c.3707-4C>A alteration was observed in 0.01% (27/282,220) of total alleles studied, with a frequency of 0.03% (8/25,110) in the European (Finnish) subpopulation. This nucleotide position is not well conserved in available vertebrate species. In silico splice site analysis predicts that this alteration will not have any significant effect on splicing. Based on insufficient or conflicting evidence, the clinical significance of this alteration remains unclear.

NM_002161.6(IARS1):c.3707-4C>A

Gene: IARS1 (isoleucyl-tRNA synthetase 1; minus strand). Cytogenetic location: 9q22.31.
Variant type: single nucleotide variant.
Coding change: c.3707-4C>A on transcript NM_002161.6 (MANE Select); 4 bases into the intron before coding-DNA position 3707, C replaced by A.
Molecular consequence: intron variant.
Genome position (GRCh38, 1-based): chr9:92,210,893, G>T on the plus strand (C>A on the coding strand, the complement: IARS1 is on the minus strand). VCF-style: chr9-92210893-G-T. GRCh37 (hg19) VCF-style: chr9-94973175-G-T.
Other names: c.3707-4C>A (NM_001378573.1, NM_001378574.1, NM_001378576.1 and 2 more transcripts); c.3584-4C>A (NM_001378583.1); c.3623-4C>A (NM_001374301.1); c.3611-4C>A (NM_001378582.1); c.3572-4C>A (NM_001378584.1); c.3632-4C>A (NM_001374299.1, NM_001374300.1); c.3665-4C>A (NM_001378577.1); c.3563-4C>A (NM_001378585.1); and 4 more.
Identifiers: ClinVar variation 3107820 (VCV003107820.1), dbSNP rs367648919, ClinGen allele CA5121766.
Genomic context (GRCh38, chr9:92,210,893, plus strand): 5'-CAGAAACATACACAGTCTTCATATTCAAAGTCTTCACGGGGATGTCTTCTGTAATTTCTA[G>T]AATGGAAAGAAAAAGTTGAAAAAAAATCAGTATTTTACCTATTGGGGGTGAATATTTAAA-3'